The following is an entry in ClinVar:

ClinVar aggregate classification (germline): Conflicting classifications of pathogenicity. Review status: criteria provided, conflicting classifications (1 of 4 stars). 2 submissions from 2 submitters: Uncertain significance (1); Likely benign (1). Last evaluated 2025-02-26.

Conditions:
Xanthinuria type II. Also called: Xanthine dehydrogenase and aldehyde oxidase combined deficiency of; XDH and AOX dual deficiency. Identifiers: Orphanet 3467, Orphanet 93602, MedGen C1863688, MONDO:0011346, OMIM 603592.
MOCOS-related disorder. Also called: MOCOS-related condition.

Allele frequency attached by ClinVar (database versions not stated): gnomAD 0.00010 and 0.00011; gnomAD exomes 0.00011 and 0.00006; ESP Exome Variant Server 0.00015; 1000 Genomes Project 0.00020; 1000 Genomes Project 30x 0.00031; ExAC 0.00005; TOPMed 0.00009.
gnomAD v4.1: 177 of 1,612,696 alleles (0.011%); highest among the groups gnomAD compares: Non-Finnish European, 0.013%; no homozygotes.

Submissions (2):

PreventionGenetics, part of Exact Sciences
Classification: Likely benign for MOCOS-related condition. Last evaluated: 2025-02-26. Review status: criteria provided, single submitter. Criteria: ACMG Guidelines, 2015. Collection method: clinical testing. Allele origin: germline.
Comment: This variant is classified as likely benign based on ACMG/AMP sequence variant interpretation guidelines (Richards et al. 2015 PMID: 25741868, with internal and published modifications).

Labcorp Genetics (formerly Invitae), Labcorp
Classification: Uncertain significance for Xanthinuria type II. Last evaluated: 2020-11-07. Review status: criteria provided, single submitter. Criteria: Invitae Variant Classification Sherloc (09022015). Collection method: clinical testing. Allele origin: germline.
Comment: Nucleotide substitutions within the consensus splice site are a relatively common cause of aberrant splicing (PMID: 17576681, 9536098). Algorithms developed to predict the effect of sequence changes on RNA splicing suggest that this variant is not likely to affect RNA splicing, but this prediction has not been confirmed by published transcriptional studies. This variant has not been reported in the literature in individuals with MOCOS-related disease. This variant is present in population databases (rs371191766, ExAC 0.01%). This sequence change falls in intron 8 of the MOCOS gene. It does not directly change the encoded amino acid sequence of the MOCOS protein, but it affects a nucleotide within the consensus splice site of the intron. In summary, the available evidence is currently insufficient to determine the role of this variant in disease. Therefore, it has been classified as a Variant of Uncertain Significance.

Literature cited by the submitters: PubMed 17576681 (cited by Labcorp Genetics (formerly Invitae), Labcorp); PubMed 9536098 (cited by Labcorp Genetics (formerly Invitae), Labcorp).

NM_017947.4(MOCOS):c.1798-3T>C

Gene: MOCOS (molybdenum cofactor sulfurase; plus strand). Cytogenetic location: 18q12.2.
Variant type: single nucleotide variant.
Coding change: c.1798-3T>C on transcript NM_017947.4 (MANE Select); 3 bases into the intron before coding-DNA position 1798, T replaced by C.
Molecular consequence: intron variant.
Genome position (GRCh38, 1-based): chr18:36,220,052, T>C. VCF-style: chr18-36220052-T-C. GRCh37 (hg19) VCF-style: chr18-33800015-T-C.
Identifiers: ClinVar variation 566065 (VCV000566065.10), dbSNP rs371191766, ClinGen allele CA8940842.